The following is an entry in ClinVar:

NM_001244710.2(GFPT1):c.*673A>G

Gene: GFPT1 (glutamine--fructose-6-phosphate transaminase 1; minus strand). Cytogenetic location: 2p13.3.
Variant type: single nucleotide variant.
Coding change: c.*673A>G on transcript NM_001244710.2 (MANE Select); 673 bases downstream of the stop codon, A replaced by G.
Molecular consequence: 3 prime UTR variant.
Genome position (GRCh38, 1-based): chr2:69,325,516, T>C on the plus strand (A>G on the coding strand, the complement: GFPT1 is on the minus strand). VCF-style: chr2-69325516-T-C. GRCh37 (hg19) VCF-style: chr2-69552648-T-C.
Other names: c.*673A>G (NM_002056.4).
Identifiers: ClinVar variation 899163 (VCV000899163.4), dbSNP rs533310642, ClinGen allele CA49443724.

ClinVar aggregate classification (germline): Likely benign (1 of 4 stars; one submission).

Conditions:
Congenital myasthenic syndrome 12 (CMS12). Also called: MYASTHENIC SYNDROME, CONGENITAL, WITH TUBULAR AGGREGATES 1; Myasthenia, congenital, 12, with tubular aggregates. Identifiers: Orphanet 353327, Orphanet 590, MedGen C3552335, MONDO:0012518, OMIM 610542.

Allele frequency attached by ClinVar (database versions not stated): gnomAD 0.00009 and 0.00061; TOPMed 0.00019; 1000 Genomes Project 0.00280; 1000 Genomes Project 30x 0.00328.

Submission:

Illumina Laboratory Services, Illumina
Classification: Likely benign for Congenital myasthenic syndrome 12. Last evaluated: 2018-01-13. Review status: criteria provided, single submitter. Criteria: ICSL Variant Classification Criteria 13 December 2019. Collection method: clinical testing. Allele origin: germline.
Comment: This variant was observed in the ICSL laboratory as part of a predisposition screen in an ostensibly healthy population. It had not been previously curated by ICSL or reported in the Human Gene Mutation Database (HGMD: prior to June 1st, 2018), and was therefore a candidate for classification through an automated scoring system. Utilizing variant allele frequency, disease prevalence and penetrance estimates, and inheritance mode, an automated score was calculated to assess if this variant is too frequent to cause the disease. Based on the score and internal cut-off values, a variant classified as likely benign is not then subjected to further curation. The score for this variant resulted in a classification of likely benign for this disease.